The following is an entry in ClinVar:

ClinVar aggregate classification (germline): Uncertain significance. Review status: criteria provided, multiple submitters, no conflicts (2 of 4 stars). 2 submissions from 2 submitters: Uncertain significance (2). Last evaluated 2025-05-27.

gnomAD v4.1: 4 of 1,613,704 alleles (0.00025%); highest among the groups gnomAD compares: African/African-American, 0.004%; no homozygotes.

Submissions (2):

GeneDx
Classification: Uncertain significance. Last evaluated: 2025-05-27. Review status: criteria provided, single submitter. Criteria: GeneDx Variant Classification Process June 2021. Collection method: clinical testing. Allele origin: germline. Affected: yes.
Comment: Not observed at significant frequency in large population cohorts (gnomAD); Missense variant in a gene in which most reported pathogenic variants are truncating/loss of function; Has not been previously published as pathogenic or benign to our knowledge

Mayo Clinic Laboratories, Mayo Clinic
Classification: Uncertain significance. Last evaluated: 2023-10-13. Review status: criteria provided, single submitter. Criteria: ACMG Guidelines, 2015. Collection method: clinical testing. Allele origin: germline. Observed: 1 variant allele.
Comment: BP4

NM_001267550.2(TTN):c.13145G>T (p.Ser4382Ile)

Gene: TTN (titin; minus strand). Cytogenetic location: 2q31.2.
Variant type: single nucleotide variant.
Coding change: c.13145G>T on transcript NM_001267550.2 (MANE Select); coding-DNA position 13145, G replaced by T.
Protein change: p.Ser4382Ile; replaces serine 4382 with isoleucine.
Molecular consequence: missense variant. On other transcripts: intron variant (1).
Genome position (GRCh38, 1-based): chr2:178,740,088, C>A on the plus strand (G>T on the coding strand, the complement: TTN is on the minus strand). VCF-style: chr2-178740088-C-A. GRCh37 (hg19) VCF-style: chr2-179604815-C-A.
Other names: p.Ser4065Ile; c.12194G>T, p.Ser4065Ile (NM_001256850.1); c.12056G>T, p.Ser4019Ile (NM_003319.4); c.12431G>T, p.Ser4144Ile (NM_133432.3); c.12632G>T, p.Ser4211Ile (NM_133437.4); c.10361-1728G>T (NM_133378.4); short protein forms S4019I, S4065I, S4144I, S4211I, S4382I.
Identifiers: ClinVar variation 3379383 (VCV003379383.2).
Genomic context (GRCh38, chr2:178,740,088, plus strand): 5'-GCCCGGCAGATTTGAATTTTCAGGTTTAATCTCTGCTCTTCTGGAATACCAGAAAGCAAG[C>A]TTTCCTTAGAAAGAAGGTCCCTTCCCTGTACCTCCTGCACTTTCTTTATTGCCACGGGCT-3'
Protein context (NP_001254479.2, residues 4372-4392): VQGRDLLSKE[Ser4382Ile]LLSGIPEEQR